The following is an entry in ClinVar:

NM_000038.6(APC):c.7846A>C (p.Lys2616Gln)

Gene: APC (APC regulator of Wnt signaling pathway; plus strand). Cytogenetic location: 5q22.2.
Variant type: single nucleotide variant.
Coding change: c.7846A>C on transcript NM_000038.6 (MANE Select); coding-DNA position 7846, A replaced by C.
Protein change: p.Lys2616Gln; replaces lysine 2616 with glutamine.
Molecular consequence: missense variant. On other transcripts: non-coding transcript variant (2).
Genome position (GRCh38, 1-based): chr5:112,843,440, A>C. VCF-style: chr5-112843440-A-C. GRCh37 (hg19) VCF-style: chr5-112179137-A-C.
Other names: c.7846A>C, p.Lys2616Gln (NM_001127510.3, NM_001354895.2, NM_001407450.1); c.7792A>C, p.Lys2598Gln (NM_001127511.3); c.7900A>C, p.Lys2634Gln (NM_001354896.2, NM_001407447.1, NM_001407448.1 and 1 more transcripts); c.7876A>C, p.Lys2626Gln (NM_001354897.2); c.7771A>C, p.Lys2591Gln (NM_001354898.2); c.7762A>C, p.Lys2588Gln (NM_001354899.2); c.7723A>C, p.Lys2575Gln (NM_001354900.2); c.7669A>C, p.Lys2557Gln (NM_001354901.2, NM_001407453.1); and 11 more; short protein forms K2490Q, K2515Q, K2533Q, K2588Q, K2616Q, K2232Q, K2591Q, K2598Q.
Identifiers: ClinVar variation 3930093 (VCV003930093.1).

ClinVar aggregate classification (germline): Uncertain significance (1 of 4 stars; one submission).

Conditions:
Hereditary cancer-predisposing syndrome. Also called: Tumor predisposition; Hereditary neoplastic syndrome; Hereditary Cancer Syndrome; Neoplastic Syndromes, Hereditary. Identifiers: Orphanet 140162, MedGen C0027672, MeSH D009386, MONDO:0015356.

Submission:

Ambry Genetics
Classification: Uncertain significance for Hereditary cancer-predisposing syndrome. Last evaluated: 2025-06-14. Review status: criteria provided, single submitter. Criteria: Ambry Variant Classification Scheme 2023. Collection method: clinical testing. Allele origin: germline.
Comment: The p.K2616Q variant (also known as c.7846A>C), located in coding exon 15 of the APC gene, results from an A to C substitution at nucleotide position 7846. The lysine at codon 2616 is replaced by glutamine, an amino acid with similar properties. This amino acid position is conserved. In addition, in silico predictors for this gene do not accurately predict pathogenicity. Based on the available evidence, the clinical significance of this variant remains unclear.